The following is an entry in ClinVar:

NM_004168.4(SDHA):c.1531C>G (p.Leu511Val)

Gene: SDHA (succinate dehydrogenase complex flavoprotein subunit A; plus strand). Cytogenetic location: 5p15.33.
Variant type: single nucleotide variant.
Coding change: c.1531C>G on transcript NM_004168.4 (MANE Select); coding-DNA position 1531, C replaced by G.
Protein change: p.Leu511Val; replaces leucine 511 with valine.
Molecular consequence: missense variant.
Genome position (GRCh38, 1-based): chr5:240,456, C>G. VCF-style: chr5-240456-C-G. GRCh37 (hg19) VCF-style: chr5-240571-C-G.
Other names: c.1387C>G, p.Leu463Val (NM_001294332.2); c.1531C>G, p.Leu511Val (NM_001330758.2); short protein forms L463V, L511V.
Identifiers: ClinVar variation 936171 (VCV000936171.11), dbSNP rs768257880, ClinGen allele CA3173267.

ClinVar aggregate classification (germline): Uncertain significance. Review status: criteria provided, multiple submitters, no conflicts (2 of 4 stars). 2 submissions from 2 submitters: Uncertain significance (2). Last evaluated 2024-02-05.

Conditions:
Mitochondrial complex II deficiency, nuclear type 1. Also called: SUCCINATE CoQ REDUCTASE DEFICIENCY. Identifiers: Orphanet 3208, MedGen C5700310, MONDO:0100294, OMIM 252011.
Pheochromocytoma/paraganglioma syndrome 5. Also called: Paragangliomas 5; SDHA-Related Hereditary Paraganglioma-Pheochromocytoma Syndrome. Identifiers: Orphanet 29072, MedGen C3279992, MONDO:0013602, OMIM 614165.
Hereditary cancer-predisposing syndrome. Also called: Hereditary Cancer Syndrome; Neoplastic Syndromes, Hereditary; Tumor predisposition; Hereditary neoplastic syndrome. Identifiers: Orphanet 140162, MedGen C0027672, MeSH D009386, MONDO:0015356.

Allele frequency attached by ClinVar (database versions not stated): gnomAD exomes below 0.00001; ExAC 0.00001.
gnomAD v4.1: 2 of 1,608,198 alleles (0.00012%); highest among the groups gnomAD compares: South Asian, 0.0011%; no homozygotes.

Submissions (2):

Ambry Genetics
Classification: Uncertain significance for Hereditary cancer-predisposing syndrome. Last evaluated: 2024-02-05. Review status: criteria provided, single submitter. Criteria: Ambry Variant Classification Scheme 2023. Collection method: clinical testing. Allele origin: germline.
Comment: The p.L511V variant (also known as c.1531C>G), located in coding exon 11 of the SDHA gene, results from a C to G substitution at nucleotide position 1531. The leucine at codon 511 is replaced by valine, an amino acid with highly similar properties. This amino acid position is not well conserved in available vertebrate species. In addition, this alteration is predicted to be tolerated by in silico analysis. Since supporting evidence is limited at this time, the clinical significance of this alteration remains unclear.

Labcorp Genetics (formerly Invitae), Labcorp
Classification: Uncertain significance for Pheochromocytoma/paraganglioma syndrome 5; Mitochondrial complex II deficiency, nuclear type 1. Last evaluated: 2020-12-18. Review status: criteria provided, single submitter. Criteria: Invitae Variant Classification Sherloc (09022015). Collection method: clinical testing. Allele origin: germline.
Comment: In summary, the available evidence is currently insufficient to determine the role of this variant in disease. Therefore, it has been classified as a Variant of Uncertain Significance. Algorithms developed to predict the effect of missense changes on protein structure and function (SIFT, PolyPhen-2, Align-GVGD) all suggest that this variant is likely to be tolerated, but these predictions have not been confirmed by published functional studies and their clinical significance is uncertain. This variant has not been reported in the literature in individuals with SDHA-related conditions. This variant is present in population databases (rs768257880, ExAC 0.006%). This sequence change replaces leucine with valine at codon 511 of the SDHA protein (p.Leu511Val). The leucine residue is moderately conserved and there is a small physicochemical difference between leucine and valine.